The following is an entry in ClinVar:

NM_001037333.3(CYFIP2):c.1813C>T (p.Leu605Phe)

Gene: CYFIP2 (cytoplasmic FMR1 interacting protein 2; plus strand). Cytogenetic location: 5q33.3.
Variant type: single nucleotide variant.
Coding change: c.1813C>T on transcript NM_001037333.3 (MANE Select); coding-DNA position 1813, C replaced by T.
Protein change: p.Leu605Phe; replaces leucine 605 with phenylalanine.
Molecular consequence: missense variant.
Genome position (GRCh38, 1-based): chr5:157,324,062, C>T. VCF-style: chr5-157324062-C-T. GRCh37 (hg19) VCF-style: chr5-156751070-C-T.
Other names: c.1735C>T, p.Leu579Phe (NM_001291721.2); c.1888C>T, p.Leu630Phe (NM_001291722.2); c.1813C>T, p.Leu605Phe (NM_014376.4); short protein forms L579F, L605F, L630F.
Identifiers: ClinVar variation 2578986 (VCV002578986.25), dbSNP rs2532411809, ClinGen allele CA361969996.
Genomic context (GRCh38, chr5:157,324,062, plus strand): 5'-GGACCCATTGTCCTCGCCATAGAGGACTTTCACAAACAGTCCTTCTTCTTCACACATCTG[C>T]TCAACATCAGTGGTGAGCTGCATCCCATCCCTGCTAAGGCATGGGAGGAGGGGATGAGGG-3'
Protein context (NP_001032410.1, residues 595-615): HKQSFFFTHL[Leu605Phe]NISEALQQCC

ClinVar aggregate classification (germline): Uncertain significance (1 of 4 stars; one submission).

Submission:

CeGaT Center for Human Genetics Tuebingen
Classification: Uncertain significance. Last evaluated: 2023-08-01. Review status: criteria provided, single submitter. Criteria: CeGaT Center For Human Genetics Tuebingen Variant Classification Criteria Version 2. Collection method: clinical testing. Allele origin: germline. Affected: yes. Observed: 1 variant allele.
Comment: CYFIP2: PM2, PP2